The following is an entry in ClinVar:

NM_000138.5(FBN1):c.5875A>C (p.Asn1959His)

Gene: FBN1 (fibrillin 1; minus strand). Cytogenetic location: 15q21.1.
Variant type: single nucleotide variant.
Coding change: c.5875A>C on transcript NM_000138.5 (MANE Select); coding-DNA position 5875, A replaced by C.
Protein change: p.Asn1959His; replaces asparagine 1959 with histidine.
Molecular consequence: missense variant.
Genome position (GRCh38, 1-based): chr15:48,445,418, T>G on the plus strand (A>C on the coding strand, the complement: FBN1 is on the minus strand). VCF-style: chr15-48445418-T-G. GRCh37 (hg19) VCF-style: chr15-48737615-T-G.
Other names: short protein forms N1959H.
Identifiers: ClinVar variation 1172438 (VCV001172438.3), dbSNP rs956702513, ClinGen allele CA392340011.

ClinVar aggregate classification (germline): Uncertain significance (1 of 4 stars; one submission).

Conditions:
Familial thoracic aortic aneurysm and aortic dissection (TAAD). Also called: Thoracic aortic aneurysms and dissections. Identifiers: Orphanet 91387, MedGen C4707243, MONDO:0019625.

Submission:

Color Diagnostics, LLC DBA Color Health
Classification: Uncertain significance for Familial thoracic aortic aneurysm and aortic dissection. Last evaluated: 2024-03-06. Review status: criteria provided, single submitter. Criteria: ACMG Guidelines, 2015. Collection method: clinical testing. Allele origin: germline.
Comment: This missense variant replaces asparagine with histidine at codon 1959 of the FBN1 protein. Computational prediction suggests that this variant may not impact protein structure and function (internally defined REVEL score threshold <= 0.5, PMID: 27666373). To our knowledge, functional studies have not been reported for this variant. This variant has not been reported in individuals affected with cardiovascular disorders in the literature. This variant has not been identified in the general population by the Genome Aggregation Database (gnomAD). The available evidence is insufficient to determine the role of this variant in disease conclusively. Therefore, this variant is classified as a Variant of Uncertain Significance.